The following is an entry in ClinVar:

ClinVar aggregate classification (germline): Conflicting classifications of pathogenicity. Review status: criteria provided, conflicting classifications (1 of 4 stars). 12 submissions from 8 submitters: Uncertain significance (7); Likely benign (5). Last evaluated 2026-05-19.

Conditions:
Tibial muscular dystrophy (TMD). Also called: UDD MYOPATHY; Tibial muscular dystrophy, tardive; Udd Distal Myopathy – Tibial Muscular Dystrophy. Identifiers: Orphanet 609, MedGen C1838244, MONDO:0010870, OMIM 600334.
Early-onset myopathy with fatal cardiomyopathy (CMYO5). Also called: Salih Myopathy; CONGENITAL MYOPATHY 5 WITH CARDIOMYOPATHY. Identifiers: Orphanet 289377, MedGen C2673677, MONDO:0012714, OMIM 611705. Disease mechanism: loss of function.
Myopathy, myofibrillar, 9, with early respiratory failure (MFM9). Also called: MYOPATHY, PROXIMAL, WITH EARLY RESPIRATORY MUSCLE INVOLVEMENT; Hereditary myopathy with early respiratory failure; Myopathy, distal, with early respiratory failure, autosomal dominant; EDSTROM MYOPATHY. Identifiers: Orphanet 178464, Orphanet 34521, MedGen C1863599, MONDO:0011362, OMIM 603689.
Autosomal recessive limb-girdle muscular dystrophy type 2J (LGMDR10). Also called: Limb-girdle muscular dystrophy, type 2J; MUSCULAR DYSTROPHY, LIMB-GIRDLE, AUTOSOMAL RECESSIVE 10. Identifiers: Orphanet 140922, MedGen C1837342, MONDO:0012127, OMIM 608807.
TTN-related disorder. Also called: TTN-related disorders; TTN-related condition; TTN-related disease.
Dilated cardiomyopathy 1G (CMD1G). Identifiers: Orphanet 154, MedGen C1858763, MONDO:0011400, OMIM 604145.

Allele frequency attached by ClinVar (database versions not stated): ExAC 0.00002; gnomAD exomes 0.00002 and 0.00004; gnomAD 0.00005 and 0.00006; TOPMed 0.00006.
gnomAD v4.1: 65 of 1,614,052 alleles (0.004%); highest among the groups gnomAD compares: Non-Finnish European, 0.0048%; no homozygotes.

Submissions (12):

PreventionGenetics, part of Exact Sciences
Classification: Uncertain significance for TTN-related condition. Last evaluated: 2026-05-19. Review status: criteria provided, single submitter. Criteria: ACMG Guidelines, 2015. Collection method: clinical testing. Allele origin: germline.
Comment: The TTN c.5073A>T variant is predicted to result in the amino acid substitution p.Glu1691Asp. To our knowledge, this variant has not been reported in the literature. This variant is reported in 0.0057% of alleles in individuals of Latino descent in gnomAD. At this time, the clinical significance of this variant is uncertain due to the absence of conclusive functional and genetic evidence.

Molecular Diagnostic Laboratory for Inherited Cardiovascular Disease, Montreal Heart Institute
Classification: Likely benign. Last evaluated: 2025-04-09. Review status: criteria provided, single submitter. Criteria: ACMG Guidelines, 2015. Collection method: clinical testing. Allele origin: germline. Affected: no.

Blueprint Genetics
Classification: Likely benign. Last evaluated: 2023-09-25. Review status: criteria provided, single submitter. Criteria: ACMG Guidelines, 2015. Collection method: clinical testing. Allele origin: germline.

Mayo Clinic Laboratories, Mayo Clinic
Classification: Uncertain significance. Last evaluated: 2023-04-17. Review status: criteria provided, single submitter. Criteria: ACMG Guidelines, 2015. Collection method: clinical testing. Allele origin: germline. Observed: 1 variant allele.
Comment: BP4

Revvity Omics, Revvity
Classification: Uncertain significance. Last evaluated: 2022-03-17. Review status: criteria provided, single submitter. Criteria: ACMG Guidelines, 2015. Collection method: clinical testing. Allele origin: germline.

GeneDx
Classification: Likely benign. Last evaluated: 2019-01-18. Review status: criteria provided, single submitter. Criteria: GeneDx Variant Classification Process June 2021. Collection method: clinical testing. Allele origin: germline. Affected: yes.

Illumina Laboratory Services, Illumina
Classification: Uncertain significance for Dilated cardiomyopathy 1G. Last evaluated: 2018-01-13. Review status: criteria provided, single submitter. Criteria: ICSL Variant Classification Criteria 13 December 2019. Collection method: clinical testing. Allele origin: germline.

Illumina Laboratory Services, Illumina
Classification: Uncertain significance for Autosomal recessive limb-girdle muscular dystrophy type 2J. Last evaluated: 2018-01-13. Review status: criteria provided, single submitter. Criteria: ICSL Variant Classification Criteria 13 December 2019. Collection method: clinical testing. Allele origin: germline.

Illumina Laboratory Services, Illumina
Classification: Uncertain significance for Early-onset myopathy with fatal cardiomyopathy. Last evaluated: 2018-01-13. Review status: criteria provided, single submitter. Criteria: ICSL Variant Classification Criteria 13 December 2019. Collection method: clinical testing. Allele origin: germline.

Illumina Laboratory Services, Illumina
Classification: Likely benign for Tibial muscular dystrophy. Last evaluated: 2018-01-13. Review status: criteria provided, single submitter. Criteria: ICSL Variant Classification Criteria 13 December 2019. Collection method: clinical testing. Allele origin: germline.
Comment: This variant was observed in the ICSL laboratory as part of a predisposition screen in an ostensibly healthy population. It had not been previously curated by ICSL or reported in the Human Gene Mutation Database (HGMD: prior to June 1st, 2018), and was therefore a candidate for classification through an automated scoring system. Utilizing variant allele frequency, disease prevalence and penetrance estimates, and inheritance mode, an automated score was calculated to assess if this variant is too frequent to cause the disease. Based on the score and internal cut-off values, a variant classified as likely benign is not then subjected to further curation. The score for this variant resulted in a classification of likely benign for this disease.

Illumina Laboratory Services, Illumina
Classification: Likely benign for Myopathy, myofibrillar, 9, with early respiratory failure. Last evaluated: 2018-01-13. Review status: criteria provided, single submitter. Criteria: ICSL Variant Classification Criteria 13 December 2019. Collection method: clinical testing. Allele origin: germline.
Comment: the same text as in the submission from Illumina Laboratory Services, Illumina above.

Eurofins Ntd Llc (ga)
Classification: Uncertain significance. Last evaluated: 2017-11-27. Review status: criteria provided, single submitter. Criteria: EGL Classification Definitions 2015. Collection method: clinical testing. Allele origin: germline. Observed: 1 variant allele, 1 heterozygote.

NM_001267550.2(TTN):c.5073A>T (p.Glu1691Asp)

Gene: TTN (titin; minus strand). Cytogenetic location: 2q31.2.
Variant type: single nucleotide variant.
Coding change: c.5073A>T on transcript NM_001267550.2 (MANE Select); coding-DNA position 5073, A replaced by T.
Protein change: p.Glu1691Asp; replaces glutamic acid 1691 with aspartic acid.
Molecular consequence: missense variant.
Genome position (GRCh38, 1-based): chr2:178,776,791, T>A on the plus strand (A>T on the coding strand, the complement: TTN is on the minus strand). VCF-style: chr2-178776791-T-A. GRCh37 (hg19) VCF-style: chr2-179641518-T-A.
Other names: p.Glu1691Asp; c.5073A>T, p.Glu1691Asp (NM_001256850.1, NM_133379.5, NM_133378.4); c.4935A>T, p.Glu1645Asp (NM_003319.4, NM_133432.3, NM_133437.4); short protein forms E1691D, E1645D.
Identifiers: ClinVar variation 332953 (VCV000332953.18), dbSNP rs770902874, ClinGen allele CA2005224.